The following is an entry in ClinVar:

NM_001104631.2(PDE4D):c.1320A>C (p.Pro440=)

Gene: PDE4D (phosphodiesterase 4D; minus strand). Cytogenetic location: 5q11.2.
Variant type: single nucleotide variant.
Coding change: c.1320A>C on transcript NM_001104631.2 (MANE Select); coding-DNA position 1320, A replaced by C.
Protein change: p.Pro440=; no amino-acid change (proline 440 retained).
Molecular consequence: synonymous variant.
Genome position (GRCh38, 1-based): chr5:58,989,887, T>G on the plus strand (A>C on the coding strand, the complement: PDE4D is on the minus strand). VCF-style: chr5-58989887-T-G. GRCh37 (hg19) VCF-style: chr5-58285714-T-G.
Other names: c.1137A>C, p.Pro379= (NM_001165899.2, NM_001364599.1); c.1128A>C, p.Pro376= (NM_001197218.2); c.954A>C, p.Pro318= (NM_001197219.2); c.930A>C, p.Pro310= (NM_001197220.2); c.414A>C, p.Pro138= (NM_001197221.2, NM_001364603.1); c.648A>C, p.Pro216= (NM_001197222.2); c.447A>C, p.Pro149= (NM_001197223.2); c.1107A>C, p.Pro369= (NM_001349241.2); and 3 more.
Identifiers: ClinVar variation 2103380 (VCV002103380.4), dbSNP rs2479396935, ClinGen allele CA444454513.
Genomic context (GRCh38, chr5:58,989,887, plus strand): 5'-GGCCACATCAGCATGGTAATGGTCTTCGAGAGTCATAAGATATGTAATTAAAGTATCTAC[T>G]GGAATTTTAAATGTTTTTAATAAATCCCGTTCCTGTAGGAAAAAAAATCATCTTAACATT-3'
Protein context (NP_001098101.1, residues 430-450): ERDLLKTFKI[Pro440=]VDTLITYLMT

ClinVar aggregate classification (germline): Uncertain significance (1 of 4 stars; one submission).

Submission:

Labcorp Genetics (formerly Invitae), Labcorp
Classification: Uncertain significance. Last evaluated: 2022-06-07. Review status: criteria provided, single submitter. Criteria: Invitae Variant Classification Sherloc (09022015). Collection method: clinical testing. Allele origin: germline.
Comment: This sequence change affects codon 440 of the PDE4D mRNA. It is a 'silent' change, meaning that it does not change the encoded amino acid sequence of the PDE4D protein. This variant is not present in population databases (gnomAD no frequency). This variant has not been reported in the literature in individuals affected with PDE4D-related conditions. Algorithms developed to predict the effect of sequence changes on RNA splicing suggest that this variant may create or strengthen a splice site. In summary, the available evidence is currently insufficient to determine the role of this variant in disease. Therefore, it has been classified as a Variant of Uncertain Significance.